The following is an entry in ClinVar:

ClinVar aggregate classification (germline): Uncertain significance. Review status: criteria provided, multiple submitters, no conflicts (2 of 4 stars). 2 submissions from 2 submitters: Uncertain significance (2). Last evaluated 2025-04-13.

Allele frequency attached by ClinVar (database versions not stated): ESP Exome Variant Server 0.00025; ExAC 0.00007; gnomAD 0.00012; TOPMed 0.00013; 1000 Genomes Project 30x 0.00016; 1000 Genomes Project 0.00020.
gnomAD v4.1: 26 of 1,606,146 alleles (0.0016%); highest among the groups gnomAD compares: African/African-American, 0.035%; no homozygotes.

Submissions (2):

Labcorp Genetics (formerly Invitae), Labcorp
Classification: Uncertain significance. Last evaluated: 2025-04-13. Review status: criteria provided, single submitter. Criteria: Invitae Variant Classification Sherloc (09022015). Collection method: clinical testing. Allele origin: germline.
Comment: This sequence change replaces arginine, which is basic and polar, with threonine, which is neutral and polar, at codon 1300 of the TOP2B protein (p.Arg1300Thr). This variant is present in population databases (rs374634133, gnomAD 0.05%). This variant has not been reported in the literature in individuals affected with TOP2B-related conditions. ClinVar contains an entry for this variant (Variation ID: 2716204). An algorithm developed to predict the effect of missense changes on protein structure and function (PolyPhen-2) suggests that this variant is likely to be tolerated. In summary, the available evidence is currently insufficient to determine the role of this variant in disease. Therefore, it has been classified as a Variant of Uncertain Significance.

Ambry Genetics
Classification: Uncertain significance. Last evaluated: 2025-04-10. Review status: criteria provided, single submitter. Criteria: Ambry Variant Classification Scheme 2023. Collection method: clinical testing. Allele origin: germline.

NM_001330700.2(TOP2B):c.3914G>C (p.Arg1305Thr)

Gene: TOP2B (DNA topoisomerase II beta; minus strand). Cytogenetic location: 3p24.2.
Variant type: single nucleotide variant.
Coding change: c.3914G>C on transcript NM_001330700.2 (MANE Select); coding-DNA position 3914, G replaced by C.
Protein change: p.Arg1305Thr; replaces arginine 1305 with threonine.
Molecular consequence: missense variant.
Genome position (GRCh38, 1-based): chr3:25,609,585, C>G on the plus strand (G>C on the coding strand, the complement: TOP2B is on the minus strand). VCF-style: chr3-25609585-C-G. GRCh37 (hg19) VCF-style: chr3-25651076-C-G.
Other names: c.3899G>C, p.Arg1300Thr (NM_001068.3); c.3899G>C (NM_001068.2); short protein forms R1305T, R1300T.
Identifiers: ClinVar variation 2716204 (VCV002716204.4), dbSNP rs374634133, ClinGen allele CA2288204.
Genomic context (GRCh38, chr3:25,609,585, plus strand): 5'-ATTTTTTCTCTCACACACATGCAAAACTATAATCATTTCTCACCAGGCTCCTTCTTCTCC[C>G]TCTTAGGTTTGGGACCTTTATTTATAGGAACTGATGGAGTCAATGCCTCTTCTCCTGCAC-3'
Protein context (NP_001317629.1, residues 1295-1315): VPINKGPKPK[Arg1305Thr]EKKEPGTRVR